The following is an entry in ClinVar:

ClinVar aggregate classification (germline): Uncertain significance (1 of 4 stars; one submission).

Submission:

GeneDx
Classification: Uncertain significance. Last evaluated: 2021-05-18. Review status: criteria provided, single submitter. Criteria: GeneDx Variant Classification Process June 2021. Collection method: clinical testing. Allele origin: germline. Affected: yes.
Comment: Has not been previously published as pathogenic or benign to our knowledge; Not observed in large population cohorts (Lek et al., 2016); In silico analysis supports that this missense variant has a deleterious effect on protein structure/function; Occurs in the triple helical domain at the Y position in the canonical Gly-X-Y repeat; although this variant may have an effect on normal protein folding and function, missense substitution at the Y position is not a common mechanism of disease (Stenson et al., 2014)

NM_000088.4(COL1A1):c.3358C>T (p.Pro1120Ser)

Gene: COL1A1 (collagen type I alpha 1 chain; minus strand). Cytogenetic location: 17q21.33.
Variant type: single nucleotide variant.
Coding change: c.3358C>T on transcript NM_000088.4 (MANE Select); coding-DNA position 3358, C replaced by T.
Protein change: p.Pro1120Ser; replaces proline 1120 with serine.
Molecular consequence: missense variant.
Genome position (GRCh38, 1-based): chr17:50,187,887, G>A on the plus strand (C>T on the coding strand, the complement: COL1A1 is on the minus strand). VCF-style: chr17-50187887-G-A. GRCh37 (hg19) VCF-style: chr17-48265248-G-A.
Other names: short protein forms P1120S.
Identifiers: ClinVar variation 1326183 (VCV001326183.2), dbSNP rs1906697025, ClinGen allele CA400199520.